The following is an entry in ClinVar:

NM_003235.5(TG):c.3908G>A (p.Gly1303Asp)

Gene: TG (thyroglobulin; plus strand). Cytogenetic location: 8q24.22.
Variant type: single nucleotide variant.
Coding change: c.3908G>A on transcript NM_003235.5 (MANE Select); coding-DNA position 3908, G replaced by A.
Protein change: p.Gly1303Asp; replaces glycine 1303 with aspartic acid.
Molecular consequence: missense variant.
Genome position (GRCh38, 1-based): chr8:132,908,246, G>A. VCF-style: chr8-132908246-G-A. GRCh37 (hg19) VCF-style: chr8-133920491-G-A.
Other names: short protein forms G1303D.
Identifiers: ClinVar variation 3325665 (VCV003325665.2).

ClinVar aggregate classification (germline): Uncertain significance. Review status: criteria provided, multiple submitters, no conflicts (2 of 4 stars). 2 submissions from 2 submitters: Uncertain significance (2). Last evaluated 2024-06-04.

Conditions:
Inborn genetic diseases. Identifiers: MedGen C0950123, MeSH D030342.

gnomAD v4.1: 11 of 1,614,014 alleles (0.00068%); highest among the groups gnomAD compares: East Asian, 0.022%; no homozygotes.

Submissions (2):

Women's Health and Genetics/Laboratory Corporation of America, LabCorp
Classification: Uncertain significance. Last evaluated: 2024-06-04. Review status: criteria provided, single submitter. Criteria: LabCorp Variant Classification Summary - May 2015. Collection method: clinical testing. Allele origin: germline.
Comment: Variant summary: TG c.3908G>A (p.Gly1303Asp) results in a non-conservative amino acid change in the encoded protein sequence. Three of five in-silico tools predict a damaging effect of the variant on protein function. The variant allele was found at a frequency of 3.6e-05 in 248338 control chromosomes. The available data on variant occurrences in the general population are insufficient to allow any conclusion about variant significance. c.3908G>A has been reported in the literature as a VUS in settings of multi-gene panel testing in compound heterozygous individuals affected with congenital hypothyroidism with second variants also classified as VUS, and in one patient in the presence of compound heterozygous DUOX2 variants (e.g. Shin_2021, Zhang_2023). These reports do not provide unequivocal conclusions about association of the variant with TG-Related Disorders. To our knowledge, no experimental evidence demonstrating an impact on protein function has been reported. The following publications have been ascertained in the context of this evaluation (PMID: 33653783, 37390946). No submitters have cited clinical-significance assessments for this variant to ClinVar. Based on the evidence outlined above, the variant was classified as uncertain significance.

Ambry Genetics
Classification: Uncertain significance for Inborn genetic diseases. Last evaluated: 2024-04-18. Review status: criteria provided, single submitter. Criteria: Ambry Variant Classification Scheme 2023. Collection method: clinical testing. Allele origin: germline.

Literature cited by the submitters: PubMed 33653783 (cited by Women's Health and Genetics/Laboratory Corporation of America, LabCorp); PubMed 37390946 (cited by Women's Health and Genetics/Laboratory Corporation of America, LabCorp).